The following is an entry in ClinVar:

NM_020680.4(SCYL1):c.1719C>T (p.Ala573=)

Gene: SCYL1 (SCY1 like pseudokinase 1; plus strand). Cytogenetic location: 11q13.1.
Variant type: single nucleotide variant.
Coding change: c.1719C>T on transcript NM_020680.4 (MANE Select); coding-DNA position 1719, C replaced by T.
Protein change: p.Ala573=; no amino-acid change (alanine 573 retained).
Molecular consequence: synonymous variant.
Genome position (GRCh38, 1-based): chr11:65,536,653, C>T. VCF-style: chr11-65536653-C-T. GRCh37 (hg19) VCF-style: chr11-65304124-C-T.
Other names: c.1719C>T, p.Ala573= (NM_001048218.2).
Identifiers: ClinVar variation 777650 (VCV000777650.39), dbSNP rs56296579, ClinGen allele CA6099910.

ClinVar aggregate classification (germline): Benign/Likely benign. Review status: criteria provided, multiple submitters, no conflicts (2 of 4 stars). 3 submissions from 3 submitters: Benign (2); Likely benign (1). Last evaluated 2026-09-01.

Allele frequency attached by ClinVar (database versions not stated): 1000 Genomes Project 0.00240; 1000 Genomes Project 30x 0.00250; gnomAD 0.00356 and 0.00357; TOPMed 0.00360; gnomAD exomes 0.00403 and 0.00499; ExAC 0.00415; ESP Exome Variant Server 0.00424.

Submissions (3):

CeGaT Center for Human Genetics Tuebingen
Classification: Likely benign. Last evaluated: 2026-09-01. Review status: criteria provided, single submitter. Criteria: CeGaT Center For Human Genetics Tuebingen Variant Classification Criteria Version 2. Collection method: clinical testing. Allele origin: germline. Affected: yes. Observed: 14 variant alleles.
Comment: SCYL1: BP4, BP7, BS2

Labcorp Genetics (formerly Invitae), Labcorp
Classification: Benign. Last evaluated: 2026-02-01. Review status: criteria provided, single submitter. Criteria: Invitae Variant Classification Sherloc (09022015). Collection method: clinical testing. Allele origin: germline.

Breakthrough Genomics
Classification: Benign. Review status: criteria provided, single submitter. Criteria: ACMG Guidelines, 2015. Collection method: not provided. Allele origin: germline. Inheritance: Autosomal recessive inheritance. Affected: yes.